The following is an entry in ClinVar:

ClinVar aggregate classification (germline): Uncertain significance (1 of 4 stars; one submission).

Allele frequency attached by ClinVar (database versions not stated): gnomAD 0.00001; gnomAD exomes 0.00001; ExAC 0.00004.
gnomAD v4.1: 10 of 1,193,917 alleles (0.00084%); highest among the groups gnomAD compares: South Asian, 0.018%; no homozygotes.

Submission:

Labcorp Genetics (formerly Invitae), Labcorp
Classification: Uncertain significance. Last evaluated: 2025-05-23. Review status: criteria provided, single submitter. Criteria: Invitae Variant Classification Sherloc (09022015). Collection method: clinical testing. Allele origin: germline.
Comment: This sequence change replaces glycine, which is neutral and non-polar, with aspartic acid, which is acidic and polar, at codon 6 of the POLA1 protein (p.Gly6Asp). The frequency data for this variant in the population databases is considered unreliable, as metrics indicate poor data quality at this position in the gnomAD database. This variant has not been reported in the literature in individuals affected with POLA1-related conditions. ClinVar contains an entry for this variant (Variation ID: 2132654). An algorithm developed to predict the effect of missense changes on protein structure and function (PolyPhen-2) suggests that this variant is likely to be tolerated. In summary, the available evidence is currently insufficient to determine the role of this variant in disease. Therefore, it has been classified as a Variant of Uncertain Significance.

NM_001330360.2(POLA1):c.17G>A (p.Gly6Asp)

Gene: POLA1 (DNA polymerase alpha 1, catalytic subunit; plus strand). Cytogenetic location: Xp22.11.
Variant type: single nucleotide variant.
Coding change: c.17G>A on transcript NM_001330360.2 (MANE Select); coding-DNA position 17, G replaced by A.
Protein change: p.Gly6Asp; replaces glycine 6 with aspartic acid.
Molecular consequence: missense variant. On other transcripts: non-coding transcript variant (2).
Genome position (GRCh38, 1-based): chrX:24,693,978, G>A. VCF-style: chrX-24693978-G-A. GRCh37 (hg19) VCF-style: chrX-24712095-G-A.
Other names: c.17G>A, p.Gly6Asp (NM_001378303.1, NM_016937.4); short protein forms G6D.
Identifiers: ClinVar variation 2132654 (VCV002132654.4), dbSNP rs775792719, ClinGen allele CA10372686.